The following is an entry in ClinVar:

NM_002317.7(LOX):c.1160C>T (p.Pro387Leu)

Genes: LOX (lysyl oxidase; minus strand), SRFBP1 (serum response factor binding protein 1; plus strand). Cytogenetic location: 5q23.1.
Variant type: single nucleotide variant.
Coding change: c.1160C>T on transcript NM_002317.7 (MANE Select); coding-DNA position 1160, C replaced by T.
Protein change: p.Pro387Leu; replaces proline 387 with leucine.
Molecular consequence: missense variant.
Genome position (GRCh38, 1-based): chr5:122,070,140, G>A on the plus strand (C>T on the coding strand, the complement: LOX is on the minus strand). VCF-style: chr5-122070140-G-A. GRCh37 (hg19) VCF-style: chr5-121405835-G-A.
Other names: c.470C>T, p.Pro157Leu (NM_001178102.2); c.269C>T, p.Pro90Leu (NM_001317073.1); short protein forms P157L, P387L, P90L.
Identifiers: ClinVar variation 3007540 (VCV003007540.3), dbSNP rs2532901146, ClinGen allele CA360880304.

ClinVar aggregate classification (germline): Uncertain significance (1 of 4 stars; one submission).

Submission:

Labcorp Genetics (formerly Invitae), Labcorp
Classification: Uncertain significance. Last evaluated: 2023-03-17. Review status: criteria provided, single submitter. Criteria: Invitae Variant Classification Sherloc (09022015). Collection method: clinical testing. Allele origin: germline.
Comment: In summary, the available evidence is currently insufficient to determine the role of this variant in disease. Therefore, it has been classified as a Variant of Uncertain Significance. Advanced modeling of protein sequence and biophysical properties (such as structural, functional, and spatial information, amino acid conservation, physicochemical variation, residue mobility, and thermodynamic stability) performed at Invitae indicates that this missense variant is not expected to disrupt LOX protein function. This variant has not been reported in the literature in individuals affected with LOX-related conditions. This variant is not present in population databases (gnomAD no frequency). This sequence change replaces proline, which is neutral and non-polar, with leucine, which is neutral and non-polar, at codon 387 of the LOX protein (p.Pro387Leu).